The following is an entry in ClinVar:

NM_000455.5(STK11):c.1221G>C (p.Glu407Asp)

Gene: STK11 (serine/threonine kinase 11; plus strand). Cytogenetic location: 19p13.3.
Variant type: single nucleotide variant.
Coding change: c.1221G>C on transcript NM_000455.5 (MANE Select); coding-DNA position 1221, G replaced by C.
Protein change: p.Glu407Asp; replaces glutamic acid 407 with aspartic acid.
Molecular consequence: missense variant.
Genome position (GRCh38, 1-based): chr19:1,226,566, G>C. VCF-style: chr19-1226566-G-C. GRCh37 (hg19) VCF-style: chr19-1226565-G-C.
Other names: short protein forms E407D.
Identifiers: ClinVar variation 629444 (VCV000629444.13), dbSNP rs1568717266, ClinGen allele CA402953817.

ClinVar aggregate classification (germline): Uncertain significance. Review status: criteria provided, multiple submitters, no conflicts (2 of 4 stars). 2 submissions from 2 submitters: Uncertain significance (2). Last evaluated 2023-12-04.

Conditions:
Hereditary cancer-predisposing syndrome. Also called: Tumor predisposition; Neoplastic Syndromes, Hereditary; Hereditary Cancer Syndrome; Hereditary neoplastic syndrome. Identifiers: Orphanet 140162, MedGen C0027672, MeSH D009386, MONDO:0015356.
Peutz-Jeghers syndrome (PJS). Also called: POLYPOSIS, HAMARTOMATOUS INTESTINAL; POLYPS-AND-SPOTS SYNDROME; Peutz-Jeghers polyposis; Periorificial lentiginosis syndrome. Identifiers: Orphanet 2869, MedGen C0031269, MeSH D010580, MONDO:0008280, OMIM 175200.

Allele frequency attached by ClinVar (database versions not stated): TOPMed below 0.00001.
gnomAD v4.1: 1 of 1,591,332 alleles (0.000063%); highest among the groups gnomAD compares: Non-Finnish European, 0.000085%; no homozygotes.

Submissions (2):

Color Diagnostics, LLC DBA Color Health
Classification: Uncertain significance for Hereditary cancer-predisposing syndrome. Last evaluated: 2023-12-04. Review status: criteria provided, single submitter. Criteria: ACMG Guidelines, 2015. Collection method: clinical testing. Allele origin: germline.
Comment: This missense variant replaces glutamic acid with aspartic acid at codon 407 of the STK11 protein. Computational prediction suggests that this variant may not impact protein structure and function (internally defined REVEL score threshold <= 0.5, PMID: 27666373). To our knowledge, functional studies have not been reported for this variant. This variant has not been reported in individuals affected with STK11-related disorders in the literature. This variant has not been identified in the general population by the Genome Aggregation Database (gnomAD). The available evidence is insufficient to determine the role of this variant in disease conclusively. Therefore, this variant is classified as a Variant of Uncertain Significance.

Labcorp Genetics (formerly Invitae), Labcorp
Classification: Uncertain significance for Peutz-Jeghers syndrome. Last evaluated: 2021-05-25. Review status: criteria provided, single submitter. Criteria: Invitae Variant Classification Sherloc (09022015). Collection method: clinical testing. Allele origin: germline.
Comment: In summary, the available evidence is currently insufficient to determine the role of this variant in disease. Therefore, it has been classified as a Variant of Uncertain Significance. Advanced modeling of protein sequence and biophysical properties (such as structural, functional, and spatial information, amino acid conservation, physicochemical variation, residue mobility, and thermodynamic stability) performed at Invitae indicates that this missense variant is not expected to disrupt STK11 protein function. This variant has not been reported in the literature in individuals with STK11-related conditions. ClinVar contains an entry for this variant (Variation ID: 629444). This variant is not present in population databases (ExAC no frequency). This sequence change replaces glutamic acid with aspartic acid at codon 407 of the STK11 protein (p.Glu407Asp). The glutamic acid residue is moderately conserved and there is a small physicochemical difference between glutamic acid and aspartic acid.